The following is an entry in ClinVar:

NM_014244.5(ADAMTS2):c.2866G>A (p.Ala956Thr)

Gene: ADAMTS2 (ADAM metallopeptidase with thrombospondin type 1 motif 2; minus strand). Cytogenetic location: 5q35.3.
Variant type: single nucleotide variant.
Coding change: c.2866G>A on transcript NM_014244.5 (MANE Select); coding-DNA position 2866, G replaced by A.
Protein change: p.Ala956Thr; replaces alanine 956 with threonine.
Molecular consequence: missense variant.
Genome position (GRCh38, 1-based): chr5:179,125,065, C>T on the plus strand (G>A on the coding strand, the complement: ADAMTS2 is on the minus strand). VCF-style: chr5-179125065-C-T. GRCh37 (hg19) VCF-style: chr5-178552066-C-T.
Other names: p.Ala956Thr; c.2866G>A (NM_014244.4); short protein forms A956T.
Identifiers: ClinVar variation 989941 (VCV000989941.5), dbSNP rs375191740, ClinGen allele CA3595391.
Genomic context (GRCh38, chr5:179,125,065, plus strand): 5'-GGCAGAGCTCGCGGCTGCAGGCCCGGCGGCTCTCGGGCCGGGCGTCATTGCAGTGCTTGG[C>T]GTGCACGGAGCGGGTGGTGTTGTCGTGTAGCGGCTGAATGCAGCGCACGGAGCGCACCTG-3'
Protein context (NP_055059.2, residues 946-966): LHDNTTRSVH[Ala956Thr]KHCNDARPES

ClinVar aggregate classification (germline): Conflicting classifications of pathogenicity. Review status: criteria provided, conflicting classifications (1 of 4 stars). 4 submissions from 4 submitters: Uncertain significance (2); Likely benign (1). 1 of the submissions does not count toward it. Last evaluated 2025-10-07.

Conditions:
Ehlers-Danlos syndrome, dermatosparaxis type. Also called: Dermatosparaxis; Ehlers-Danlos syndrome, type VII, autosomal recessive; EDS VIIC. Identifiers: Orphanet 1901, MedGen C2700425, MONDO:0009161, OMIM 225410.
Inborn genetic diseases. Identifiers: MedGen C0950123, MeSH D030342.

Allele frequency attached by ClinVar (database versions not stated): gnomAD exomes 0.00001; gnomAD 0.00005 and 0.00006; TOPMed 0.00009; ESP Exome Variant Server 0.00015.
gnomAD v4.1: 17 of 1,610,324 alleles (0.0011%); highest among the groups gnomAD compares: African/African-American, 0.011%; no homozygotes.

Submissions (4):

Ambry Genetics
Classification: Likely benign for Inborn genetic diseases. Last evaluated: 2025-10-07. Review status: criteria provided, single submitter. Criteria: Ambry Variant Classification Scheme 2023. Collection method: clinical testing. Allele origin: germline.

Mayo Clinic Laboratories, Mayo Clinic
Classification: Uncertain significance. Last evaluated: 2023-06-22. Review status: criteria provided, single submitter. Criteria: ACMG Guidelines, 2015. Collection method: clinical testing. Allele origin: germline. Observed: 1 variant allele.
Comment: BP4_strong

Labcorp Genetics (formerly Invitae), Labcorp
Classification: Uncertain significance for Ehlers-Danlos syndrome, dermatosparaxis type. Last evaluated: 2022-04-27. Review status: criteria provided, single submitter. Criteria: Invitae Variant Classification Sherloc (09022015). Collection method: clinical testing. Allele origin: germline.
Comment: This sequence change replaces alanine, which is neutral and non-polar, with threonine, which is neutral and polar, at codon 956 of the ADAMTS2 protein (p.Ala956Thr). This variant is present in population databases (rs375191740, gnomAD 0.02%). This variant has not been reported in the literature in individuals affected with ADAMTS2-related conditions. ClinVar contains an entry for this variant (Variation ID: 989941). Algorithms developed to predict the effect of missense changes on protein structure and function output the following: SIFT: "Tolerated"; PolyPhen-2: "Benign"; Align-GVGD: "Class C0". The threonine amino acid residue is found in multiple mammalian species, which suggests that this missense change does not adversely affect protein function. In summary, the available evidence is currently insufficient to determine the role of this variant in disease. Therefore, it has been classified as a Variant of Uncertain Significance.

Natera, Inc.
Classification: Likely benign for Ehlers-Danlos syndrome type VIIC. Last evaluated: 2020-05-27. Review status: no assertion criteria provided. Collection method: clinical testing. Allele origin: germline. Not counted in ClinVar's aggregate classification.